The following is an entry in ClinVar:

ClinVar aggregate classification (germline): Uncertain significance (1 of 4 stars; one submission).

Conditions:
Mucopolysaccharidosis type 7 (MPS7). Also called: MPS VII; BETA-GLUCURONIDASE DEFICIENCY; GUSB DEFICIENCY; SLY SYNDROME. Identifiers: Orphanet 584, MedGen C0085132, MONDO:0009662, OMIM 253220.

gnomAD v4.1: 1 of 1,613,656 alleles (0.000062%); highest among the groups gnomAD compares: African/African-American, 0.0013%; no homozygotes.

Submission:

Labcorp Genetics (formerly Invitae), Labcorp
Classification: Uncertain significance for Mucopolysaccharidosis type 7. Last evaluated: 2025-01-29. Review status: criteria provided, single submitter. Criteria: Invitae Variant Classification Sherloc (09022015). Collection method: clinical testing. Allele origin: germline.
Comment: This sequence change replaces asparagine, which is neutral and polar, with serine, which is neutral and polar, at codon 173 of the GUSB protein (p.Asn173Ser). This variant is not present in population databases (gnomAD no frequency). This variant has not been reported in the literature in individuals affected with GUSB-related conditions. Invitae Evidence Modeling of protein sequence and biophysical properties (such as structural, functional, and spatial information, amino acid conservation, physicochemical variation, residue mobility, and thermodynamic stability) indicates that this missense variant is not expected to disrupt GUSB protein function with a negative predictive value of 80%. In summary, the available evidence is currently insufficient to determine the role of this variant in disease. Therefore, it has been classified as a Variant of Uncertain Significance.

NM_000181.4(GUSB):c.518A>G (p.Asn173Ser)

Gene: GUSB (glucuronidase beta; minus strand). Cytogenetic location: 7q11.21.
Variant type: single nucleotide variant.
Coding change: c.518A>G on transcript NM_000181.4 (MANE Select); coding-DNA position 518, A replaced by G.
Protein change: p.Asn173Ser; replaces asparagine 173 with serine.
Molecular consequence: missense variant. On other transcripts: non-coding transcript variant (1), intron variant (3).
Genome position (GRCh38, 1-based): chr7:65,979,790, T>C on the plus strand (A>G on the coding strand, the complement: GUSB is on the minus strand). VCF-style: chr7-65979790-T-C. GRCh37 (hg19) VCF-style: chr7-65444777-T-C.
Other names: c.67+434A>G (NM_001293105.2); c.12-249A>G (NM_001293104.2); c.474+44A>G (NM_001284290.2); short protein forms N173S.
Identifiers: ClinVar variation 3682667 (VCV003682667.2).